The following is an entry in ClinVar:

ClinVar aggregate classification (germline): Uncertain significance (1 of 4 stars; one submission).

Conditions:
Emery-Dreifuss muscular dystrophy (EDMD). Also called: Scapuloperoneal syndrome, X-linked (formerly); Humeroperoneal neuromuscular disease, (formerly). Identifiers: Orphanet 261, MedGen C0410189, MONDO:0016830.

gnomAD v4.1: 6 of 1,614,174 alleles (0.00037%); highest among the groups gnomAD compares: Non-Finnish European, 0.00051%; no homozygotes.

Submission:

Labcorp Genetics (formerly Invitae), Labcorp
Classification: Uncertain significance for Emery-Dreifuss muscular dystrophy. Last evaluated: 2025-05-11. Review status: criteria provided, single submitter. Criteria: Invitae Variant Classification Sherloc (09022015). Collection method: clinical testing. Allele origin: germline.
Comment: This sequence change replaces phenylalanine, which is neutral and non-polar, with serine, which is neutral and polar, at codon 207 of the SUN2 protein (p.Phe207Ser). This variant is present in population databases (rs768995891, gnomAD 0.002%). This variant has not been reported in the literature in individuals affected with SUN2-related conditions. An algorithm developed to predict the effect of missense changes on protein structure and function (PolyPhen-2) suggests that this variant is likely to be tolerated. In summary, the available evidence is currently insufficient to determine the role of this variant in disease. Therefore, it has been classified as a Variant of Uncertain Significance.

NM_015374.3(SUN2):c.620T>C (p.Phe207Ser)

Gene: SUN2 (Sad1 and UNC84 domain containing 2; minus strand). Cytogenetic location: 22q13.1.
Variant type: single nucleotide variant.
Coding change: c.620T>C on transcript NM_015374.3 (MANE Select); coding-DNA position 620, T replaced by C.
Protein change: p.Phe207Ser; replaces phenylalanine 207 with serine.
Molecular consequence: missense variant. On other transcripts: intron variant (2).
Genome position (GRCh38, 1-based): chr22:38,748,778, A>G on the plus strand (T>C on the coding strand, the complement: SUN2 is on the minus strand). VCF-style: chr22-38748778-A-G. GRCh37 (hg19) VCF-style: chr22-39144783-A-G.
Other names: c.620T>C, p.Phe207Ser (NM_001394442.1, NM_001199580.2, NM_001394427.1 and 7 more transcripts); c.128T>C, p.Phe43Ser (NM_001394443.1); c.614+988T>C (NM_001394444.1, NM_001394445.1); c.482T>C, p.Phe161Ser (NM_001394440.1, NM_001394441.1, NM_001394439.1); c.683T>C, p.Phe228Ser (NM_001199579.2, NM_001394428.1); c.665T>C, p.Phe222Ser (NM_001394429.1, NM_001394430.1); c.530T>C, p.Phe177Ser (NM_001394438.1); short protein forms F228S, F222S, F177S, F207S, F161S, F43S.
Identifiers: ClinVar variation 4776838 (VCV004776838.1).